The following is an entry in ClinVar:

ClinVar aggregate classification (germline): Uncertain significance. Review status: criteria provided, multiple submitters, no conflicts (2 of 4 stars). 3 submissions from 3 submitters: Uncertain significance (3). Last evaluated 2025-10-13.

gnomAD v4.1: 2 of 1,612,152 alleles (0.00012%); highest among the groups gnomAD compares: Non-Finnish European, 0.00017%; no homozygotes.

Submissions (3):

Labcorp Genetics (formerly Invitae), Labcorp
Classification: Uncertain significance. Last evaluated: 2025-10-13. Review status: criteria provided, single submitter. Criteria: Invitae Variant Classification Sherloc (09022015). Collection method: clinical testing. Allele origin: germline.
Comment: This sequence change replaces proline, which is neutral and non-polar, with arginine, which is basic and polar, at codon 1111 of the STAG1 protein (p.Pro1111Arg). This variant is not present in population databases (gnomAD no frequency). This variant has not been reported in the literature in individuals affected with STAG1-related conditions. ClinVar contains an entry for this variant (Variation ID: 3687885). Invitae Evidence Modeling of protein sequence and biophysical properties (such as structural, functional, and spatial information, amino acid conservation, physicochemical variation, residue mobility, and thermodynamic stability) indicates that this missense variant is not expected to disrupt STAG1 protein function with a negative predictive value of 95%. In summary, the available evidence is currently insufficient to determine the role of this variant in disease. Therefore, it has been classified as a Variant of Uncertain Significance.

Dasa
Classification: Uncertain significance. Last evaluated: 2024-11-08. Review status: criteria provided, single submitter. Criteria: DASA Assertion Criteria. Collection method: clinical testing. Allele origin: germline.
Comment: NM_005862.3(STAG1):c.3332C>G (p.Pro1111Arg) is a missense variant that results in the substitution of proline with arginine. This variant is rare in population databases. Computational prediction algorithms are consistent with a benign effect. The currently available literature and clinical evidence are not sufficient to establish a definitive association between this variant and the reported condition. Therefore, this variant is classified as a variant of uncertain significance.

Blueprint Genetics
Classification: Uncertain significance. Last evaluated: 2023-03-23. Review status: criteria provided, single submitter. Criteria: ACMG Guidelines, 2015. Collection method: clinical testing. Allele origin: germline.

NM_005862.3(STAG1):c.3332C>G (p.Pro1111Arg)

Gene: STAG1 (STAG1 cohesin complex component; minus strand). Cytogenetic location: 3q22.3.
Variant type: single nucleotide variant.
Coding change: c.3332C>G on transcript NM_005862.3 (MANE Select); coding-DNA position 3332, C replaced by G.
Protein change: p.Pro1111Arg; replaces proline 1111 with arginine.
Molecular consequence: missense variant.
Genome position (GRCh38, 1-based): chr3:136,343,946, G>C on the plus strand (C>G on the coding strand, the complement: STAG1 is on the minus strand). VCF-style: chr3-136343946-G-C. GRCh37 (hg19) VCF-style: chr3-136062788-G-C.
Other names: short protein forms P1111R.
Identifiers: ClinVar variation 3687885 (VCV003687885.5).
Genomic context (GRCh38, chr3:136,343,946, plus strand): 5'-TCTCCCATGGGCCGACTGTTCTCCCGCAGTACAGTGGATGTGAGTTGTGGTGCTGGCAGG[G>C]GGCCAGGAGTCTGAATCATGGTGTCAGTCCTGTTTAGCCATGTGTTATCCAGACTCTCAT-3'
Protein context (NP_005853.2, residues 1101-1121): RTDTMIQTPG[Pro1111Arg]LPAPQLTSTV